The following is an entry in ClinVar:

NM_014714.4(IFT140):c.1498A>G (p.Asn500Asp)

Genes: IFT140 (intraflagellar transport 140; minus strand), LOC105371046 (uncharacterized LOC105371046; plus strand). Cytogenetic location: 16p13.3.
Variant type: single nucleotide variant.
Coding change: c.1498A>G on transcript NM_014714.4 (MANE Select); coding-DNA position 1498, A replaced by G.
Protein change: p.Asn500Asp; replaces asparagine 500 with aspartic acid.
Molecular consequence: missense variant.
Genome position (GRCh38, 1-based): chr16:1,580,785, T>C on the plus strand (A>G on the coding strand, the complement: IFT140 is on the minus strand). VCF-style: chr16-1580785-T-C. GRCh37 (hg19) VCF-style: chr16-1630786-T-C.
Other names: c.1498A>G (NM_014714.3); short protein forms N500D.
Identifiers: ClinVar variation 2053726 (VCV002053726.7), dbSNP rs763326520, ClinGen allele CA7814266.
Genomic context (GRCh38, chr16:1,580,785, plus strand): 5'-GCTCTGGTTTTCTTGCAGTGGAGCAGCAACTTACCTGCCAGGTTCGAACTTGAACTCGGT[T>C]TGACTCCACCGTGTAAACGTTTTCTTCATGCATTGCTAACACAGGCGTCTCACACAAGAA-3'
Protein context (NP_055529.2, residues 490-510): HEENVYTVES[Asn500Asp]RVQVRTWQGT

ClinVar aggregate classification (germline): Uncertain significance. Review status: criteria provided, multiple submitters, no conflicts (2 of 4 stars). 3 submissions from 3 submitters: Uncertain significance (3). Last evaluated 2025-06-25.

Conditions:
IFT140-related disorder. Also called: IFT140-related condition.
Saldino-Mainzer syndrome (SRTD9). Also called: Renal dysplasia, retinal pigmentary dystrophy, cerebellar ataxia and skeletal dysplasia; short-rib thoracic dysplasia 9 with or without polydactyly; CONORENAL SYNDROME; SHORT-RIB THORACIC DYSPLASIA 9 WITHOUT POLYDACTYLY. Identifiers: Orphanet 140969, MedGen C1849437, MONDO:0009964, OMIM 266920.

Allele frequency attached by ClinVar (database versions not stated): gnomAD exomes 0.00001; ExAC 0.00002; TOPMed 0.00002; gnomAD 0.00005.
gnomAD v4.1: 27 of 1,613,840 alleles (0.0017%); highest among the groups gnomAD compares: Non-Finnish European, 0.0021%; no homozygotes.

Submissions (3):

PreventionGenetics, part of Exact Sciences
Classification: Uncertain significance for IFT140-related condition. Last evaluated: 2025-06-25. Review status: criteria provided, single submitter. Criteria: ACMG Guidelines, 2015. Collection method: clinical testing. Allele origin: germline.
Comment: The IFT140 c.1498A>G variant is predicted to result in the amino acid substitution p.Asn500Asp. This variant was reported in the heterozygous state in an individual with high myopia and classified as a variant of uncertain significance (VUS) (Suppl. Table S1, Haarman et al. 2022. PubMed ID: 35567543). This variant is reported in 0.0039% of alleles in individuals of European (Non-Finnish) descent in gnomAD. At this time, the clinical significance of this variant is uncertain due to the absence of conclusive functional and genetic evidence.

Blueprint Genetics
Classification: Uncertain significance. Last evaluated: 2024-10-24. Review status: criteria provided, single submitter. Criteria: ACMG Guidelines, 2015. Collection method: clinical testing. Allele origin: germline.

Labcorp Genetics (formerly Invitae), Labcorp
Classification: Uncertain significance for Saldino-Mainzer syndrome. Last evaluated: 2022-06-18. Review status: criteria provided, single submitter. Criteria: Invitae Variant Classification Sherloc (09022015). Collection method: clinical testing. Allele origin: germline.
Comment: In summary, the available evidence is currently insufficient to determine the role of this variant in disease. Therefore, it has been classified as a Variant of Uncertain Significance. Algorithms developed to predict the effect of missense changes on protein structure and function (SIFT, PolyPhen-2, Align-GVGD) all suggest that this variant is likely to be tolerated. This variant has not been reported in the literature in individuals affected with IFT140-related conditions. This variant is present in population databases (rs763326520, gnomAD 0.004%). This sequence change replaces asparagine, which is neutral and polar, with aspartic acid, which is acidic and polar, at codon 500 of the IFT140 protein (p.Asn500Asp).